The following is an entry in ClinVar:

ClinVar aggregate classification (germline): Uncertain significance. Review status: criteria provided, multiple submitters, no conflicts (2 of 4 stars). 2 submissions from 2 submitters: Uncertain significance (2). Last evaluated 2024-10-20.

Conditions:
Inborn genetic diseases. Identifiers: MedGen C0950123, MeSH D030342.

gnomAD v4.1: 12 of 1,613,660 alleles (0.00074%); highest among the groups gnomAD compares: African/African-American, 0.0053%; no homozygotes.

Submissions (2):

Ambry Genetics
Classification: Uncertain significance for Inborn genetic diseases. Last evaluated: 2024-10-20. Review status: criteria provided, single submitter. Criteria: Ambry Variant Classification Scheme 2023. Collection method: clinical testing. Allele origin: germline.

GeneDx
Classification: Uncertain significance. Last evaluated: 2024-02-16. Review status: criteria provided, single submitter. Criteria: GeneDx Variant Classification Process June 2021. Collection method: clinical testing. Allele origin: germline. Affected: yes.
Comment: In silico analysis supports that this missense variant has a deleterious effect on protein structure/function; Has not been previously published as pathogenic or benign to our knowledge

NM_018245.3(OGDHL):c.2123C>T (p.Ser708Leu)

Gene: OGDHL (oxoglutarate dehydrogenase L; minus strand). Cytogenetic location: 10q11.23.
Variant type: single nucleotide variant.
Coding change: c.2123C>T on transcript NM_018245.3 (MANE Select); coding-DNA position 2123, C replaced by T.
Protein change: p.Ser708Leu; replaces serine 708 with leucine.
Molecular consequence: missense variant. On other transcripts: non-coding transcript variant (5).
Genome position (GRCh38, 1-based): chr10:49,740,727, G>A on the plus strand (C>T on the coding strand, the complement: OGDHL is on the minus strand). VCF-style: chr10-49740727-G-A. GRCh37 (hg19) VCF-style: chr10-50948773-G-A.
Other names: c.1952C>T, p.Ser651Leu (NM_001143996.2, NM_001347820.1); c.1496C>T, p.Ser499Leu (NM_001143997.2, NM_001347821.2, NM_001347822.1); c.2123C>T, p.Ser708Leu (NM_001347819.1); c.1943C>T, p.Ser648Leu (NM_001347823.1, NM_001347824.2); c.1316C>T, p.Ser439Leu (NM_001347825.2); c.926C>T, p.Ser309Leu (NM_001347826.1); short protein forms S309L, S439L, S499L, S648L, S651L, S708L.
Identifiers: ClinVar variation 3369086 (VCV003369086.2).